The following is an entry in ClinVar:

NM_006231.4(POLE):c.4620G>T (p.Lys1540Asn)

Gene: POLE (DNA polymerase epsilon, catalytic subunit; minus strand). Cytogenetic location: 12q24.33.
Variant type: single nucleotide variant.
Coding change: c.4620G>T on transcript NM_006231.4 (MANE Select); coding-DNA position 4620, G replaced by T.
Protein change: p.Lys1540Asn; replaces lysine 1540 with asparagine.
Molecular consequence: missense variant.
Genome position (GRCh38, 1-based): chr12:132,642,928, C>A on the plus strand (G>T on the coding strand, the complement: POLE is on the minus strand). VCF-style: chr12-132642928-C-A. GRCh37 (hg19) VCF-style: chr12-133219514-C-A.
Other names: short protein forms K1540N.
Identifiers: ClinVar variation 1416604 (VCV001416604.8), dbSNP rs2042184899, ClinGen allele CA387379142.

ClinVar aggregate classification (germline): Uncertain significance (1 of 4 stars; one submission).

Allele frequency attached by ClinVar (database versions not stated): gnomAD 0.00001.
gnomAD v4.1: 1 of 1,612,388 alleles (0.000062%); highest among the groups gnomAD compares: Admixed American, 0.0017%; no homozygotes.

Submission:

Labcorp Genetics (formerly Invitae), Labcorp
Classification: Uncertain significance. Last evaluated: 2026-01-01. Review status: criteria provided, single submitter. Criteria: Invitae Variant Classification Sherloc (09022015). Collection method: clinical testing. Allele origin: germline.
Comment: This sequence change replaces lysine, which is basic and polar, with asparagine, which is neutral and polar, at codon 1540 of the POLE protein (p.Lys1540Asn). This variant is not present in population databases (gnomAD no frequency). This variant has not been reported in the literature in individuals affected with POLE-related conditions. ClinVar contains an entry for this variant (Variation ID: 1416604). Invitae Evidence Modeling of protein sequence and biophysical properties (such as structural, functional, and spatial information, amino acid conservation, physicochemical variation, residue mobility, and thermodynamic stability) indicates that this missense variant is not expected to disrupt POLE protein function with a negative predictive value of 80%. In summary, the available evidence is currently insufficient to determine the role of this variant in disease. Therefore, it has been classified as a Variant of Uncertain Significance.